The following is an entry in ClinVar:

ClinVar aggregate classification (germline): Uncertain significance. Review status: criteria provided, multiple submitters, no conflicts (2 of 4 stars). 4 submissions from 4 submitters: Uncertain significance (4). Last evaluated 2026-01-01.

Conditions:
Left ventricular noncompaction 1 (LVNC1). Also called: LEFT VENTRICULAR NONCOMPACTION 1 WITH OR WITHOUT CONGENITAL HEART DEFECTS. Identifiers: Orphanet 54260, MedGen C1858725, MONDO:0011403, OMIM 604169.
Hypertrophic cardiomyopathy 4. Also called: Familial hypertrophic cardiomyopathy 4. Identifiers: MedGen C1861862, MONDO:0007268, OMIM 115197.
Primary familial hypertrophic cardiomyopathy (HCM). Identifiers: Orphanet 99739, MedGen C0949658, MeSH D024741, MONDO:0024573. Inheritance: Various modes of inheritance.
Hypertrophic cardiomyopathy. Also called: HYPERTROPHIC MYOCARDIOPATHY. Identifiers: Orphanet 217569, MedGen C0007194, MeSH D002312, MONDO:0005045, HP:0001639.
Cardiomyopathy (CMYO). Also called: Cardiomyopathies. Identifiers: Orphanet 167848, MedGen C0878544, MONDO:0004994, HP:0001638. Inheritance: Various modes of inheritance.

Allele frequency attached by ClinVar (database versions not stated): gnomAD exomes below 0.00001; gnomAD 0.00001.

Submissions (4):

CeGaT Center for Human Genetics Tuebingen
Classification: Uncertain significance. Last evaluated: 2026-01-01. Review status: criteria provided, single submitter. Criteria: CeGaT Center For Human Genetics Tuebingen Variant Classification Criteria Version 2. Collection method: clinical testing. Allele origin: germline. Affected: yes. Observed: 1 variant allele.
Comment: MYBPC3: PM2, PM3:Supporting

Petrovsky National Research Centre of Surgery, The Federal Agency for Scientific Organizations
Classification: Uncertain significance for Primary familial hypertrophic cardiomyopathy. Last evaluated: 2025-10-28. Review status: criteria provided, single submitter. Criteria: ACMG Guidelines, 2015. Collection method: research. Allele origin: unknown. Inheritance: Autosomal dominant inheritance. Affected: yes. Observed: 1 heterozygote.
Comment: Heterozygous variant NM_000256.3:c.3197C>G (p.Pro1066Arg) in the MYBPC3 gene was found on WES data in 2 unrelated male probands operated on for hypertrophic cardiomyopathy. Clinvar (VCV001171602.7) contains 3 entries for variant NM_000256.3:c.3197C>G (p.Pro1066Arg). The variant is described in the literature in 4 patients with hypertrophic cardiomyopathy (in combination with two of our patients it allows us to apply PS4_moderate). NM_000256.3:c.3197C>G (p.Pro1066Arg) is in the Genome Aggregation Database (gnomAD) v4.1.0 with total MAF=0.000001903 (Date of access 28-10-2025). REVEL score=0,662 is inconclusive. In accordance with ACMG (2015) criteria and ClinGen Cardiomyopathy Expert Panel Specifications to the ACMG/AMP Variant Interpretation Guidelines for MYBPC3 Version 1.0.0. this variant is classified as Variant of Uncertain Significance (VUS) with following criteria selected: PS4_ moderate, PM2.

Labcorp Genetics (formerly Invitae), Labcorp
Classification: Uncertain significance for Hypertrophic cardiomyopathy. Last evaluated: 2022-06-09. Review status: criteria provided, single submitter. Criteria: Invitae Variant Classification Sherloc (09022015). Collection method: clinical testing. Allele origin: germline.
Comment: This sequence change replaces proline, which is neutral and non-polar, with arginine, which is basic and polar, at codon 1066 of the MYBPC3 protein (p.Pro1066Arg). This variant is not present in population databases (gnomAD no frequency). This variant has not been reported in the literature in individuals affected with MYBPC3-related conditions. ClinVar contains an entry for this variant (Variation ID: 1171602). Algorithms developed to predict the effect of missense changes on protein structure and function (SIFT, PolyPhen-2, Align-GVGD) all suggest that this variant is likely to be disruptive. In summary, the available evidence is currently insufficient to determine the role of this variant in disease. Therefore, it has been classified as a Variant of Uncertain Significance.

Color Diagnostics, LLC DBA Color Health
Classification: Uncertain significance for Cardiomyopathy. Last evaluated: 2020-11-26. Review status: criteria provided, single submitter. Criteria: ACMG Guidelines, 2015. Collection method: clinical testing. Allele origin: germline.
Comment: This missense variant replaces proline with arginine at codon 1066 of the MYBPC3 protein. Computational prediction is inconclusive regarding the impact of this variant on protein structure and function (internally defined REVEL score threshold 0.5 < inconclusive < 0.7, PMID: 27666373). To our knowledge, functional studies have not been reported for this variant. This variant has been reported in one individual affected with restrictive cardiomyopathy (PMID: 32013205), and the individual has a pathogenic variant in MYH7 c.2302G>A p.Gly768Arg (ClinVar variation ID: 181180). This variant has not been identified in the general population by the Genome Aggregation Database (gnomAD). The available evidence is insufficient to determine the role of this variant in disease conclusively. Therefore, this variant is classified as a Variant of Uncertain Significance.

NM_000256.3(MYBPC3):c.3197C>G (p.Pro1066Arg)

Gene: MYBPC3 (myosin binding protein C3; minus strand). Cytogenetic location: 11p11.2.
Variant type: single nucleotide variant.
Coding change: c.3197C>G on transcript NM_000256.3 (MANE Select); coding-DNA position 3197, C replaced by G.
Protein change: p.Pro1066Arg; replaces proline 1066 with arginine.
Molecular consequence: missense variant.
Genome position (GRCh38, 1-based): chr11:47,333,327, G>C on the plus strand (C>G on the coding strand, the complement: MYBPC3 is on the minus strand). VCF-style: chr11-47333327-G-C. GRCh37 (hg19) VCF-style: chr11-47354878-G-C.
Other names: short protein forms P1066R.
Identifiers: ClinVar variation 1171602 (VCV001171602.11), dbSNP rs2095879154, ClinGen allele CA380314541.